The following is an entry in ClinVar:

NM_002667.5(PLN):c.25C>T (p.Arg9Cys)

Genes: CEP85L (centrosomal protein 85L; minus strand), PLN (phospholamban; plus strand). Cytogenetic location: 6q22.31.
Variant type: single nucleotide variant.
Coding change: c.25C>T on transcript NM_002667.5 (MANE Select); coding-DNA position 25, C replaced by T.
Protein change: p.Arg9Cys; replaces arginine 9 with cysteine.
Molecular consequence: missense variant. On other transcripts: intron variant (3).
Genome position (GRCh38, 1-based): chr6:118,558,946, C>T. VCF-style: chr6-118558946-C-T. GRCh37 (hg19) VCF-style: chr6-118880109-C-T.
Other names: p.R9C:CGC>TGC; c.1029+6583G>A (NM_001178035.2); c.1020+6583G>A (NM_001042475.3, NM_206921.3); short protein forms R9C.
Identifiers: ClinVar variation 13636 (VCV000013636.23), dbSNP rs111033559, ClinGen allele CA256917.

ClinVar aggregate classification (germline): Pathogenic. Review status: criteria provided, multiple submitters, no conflicts (2 of 4 stars). 8 submissions from 8 submitters: Pathogenic (5). 3 of the submissions do not count toward it. Last evaluated 2025-07-15.

Conditions:
Cardiomyopathy (CMYO). Also called: Cardiomyopathies. Identifiers: Orphanet 167848, MedGen C0878544, MONDO:0004994, HP:0001638. Inheritance: Various modes of inheritance.
Dilated cardiomyopathy 1P (CMD1P). Identifiers: Orphanet 154, MedGen C1835928, MONDO:0012362, OMIM 609909.
Primary dilated cardiomyopathy (DCM). Also called: Dilated Cardiomyopathy. Identifiers: Orphanet 217604, MedGen C0007193, MeSH D002311, MONDO:0005021, HP:0001644. Inheritance: Various modes of inheritance.

gnomAD v4.1: 1 of 1,613,780 alleles (0.000062%); highest among the groups gnomAD compares: Non-Finnish European, 0.000085%; no homozygotes.

Submissions (8):

Labcorp Genetics (formerly Invitae), Labcorp
Classification: Pathogenic for Dilated cardiomyopathy 1P. Last evaluated: 2025-07-15. Review status: criteria provided, single submitter. Criteria: Invitae Variant Classification Sherloc (09022015). Collection method: clinical testing. Allele origin: germline.
Comment: This sequence change replaces arginine, which is basic and polar, with cysteine, which is neutral and slightly polar, at codon 9 of the PLN protein (p.Arg9Cys). This variant is not present in population databases (gnomAD no frequency). This missense change has been observed in individuals with dilated cardiomyopathy (PMID: 12610310, 25928149, 26917049; internal data). It has also been observed to segregate with disease in related individuals. ClinVar contains an entry for this variant (Variation ID: 13636). An algorithm developed to predict the effect of missense changes on protein structure and function (PolyPhen-2) suggests that this variant is likely to be disruptive. Experimental studies have shown that this missense change affects PLN function (PMID: 12610310, 21282613, 22427649, 22707725, 25593317). For these reasons, this variant has been classified as Pathogenic.

GeneDx
Classification: Pathogenic. Last evaluated: 2022-08-29. Review status: criteria provided, single submitter. Criteria: GeneDx Variant Classification Process June 2021. Collection method: clinical testing. Allele origin: germline. Affected: yes.
Comment: Not observed at significant frequency in large population cohorts (gnomAD); Published functional studies demonstrate this variant leads to a complete loss of function in both humans and transgenic mouse models (Schmitt et al., 2003; Gramolini et al., 2008; Schmitt et al., 2009; Ha et al., 2011; Ceholski et al., 2012a; Ceholski et al., 2012b); In silico analysis supports that this missense variant has a deleterious effect on protein structure/function; This variant is associated with the following publications: (PMID: 23308118, 25593317, 23989713, 23302633, 15765133, 26917049, 25928149, 33978571, 30638982, 33265898, 32755452, 34199719, 32393743, 30012515, 32603312, 31325238, 27239561, 22427649, 22707725, 21282613, 26183555, 28102477, 18056057, 17010801, 25651173, 19139388, 29119312, 29447731, 29752948, 31402444, 35297759, 12610310)

CHEO Genetics Diagnostic Laboratory, Children's Hospital of Eastern Ontario
Classification: Pathogenic for Cardiomyopathy. Last evaluated: 2015-12-10. Review status: criteria provided, single submitter. Criteria: ACMG Guidelines, 2015. Collection method: clinical testing. Allele origin: germline. Study: Canadian Open Genetics Repository.

Stanford Center for Inherited Cardiovascular Disease, Stanford University
Classification: Pathogenic. Last evaluated: 2015-08-26. Review status: criteria provided, single submitter. Criteria: ACMG Guidelines, 2015. Collection method: provider interpretation. Allele origin: germline.

Laboratory for Molecular Medicine, Mass General Brigham Personalized Medicine
Classification: Pathogenic for Primary dilated cardiomyopathy. Last evaluated: 2015-06-03. Review status: criteria provided, single submitter. Criteria: LMM Criteria. Collection method: clinical testing. Allele origin: germline. Inheritance: Autosomal dominant inheritance. Observed: 2 variant alleles.
Comment: The p.Arg9Cys variant in PLN has been reported in 2 individuals with DCM and seg regated with disease in 7 affected relatives from 1 family, including 3 obligate carriers (Schmitt 2003, Truszkowska 2015). The p.Arg9Cys varian t was absent from large population studies, but is listed in dbSNP without frequ ency information (rs111033559). Transgenic mice expressing this variant develop DCM (Schmitt 2003, Schmitt 2009) and multiple functional studies support that th is variant has a severe impact on protein function (Gramolini 2007, Schmitt 2009 , Ha 2011, Ceholiski 2012a, Ceholiski 2012b, Abrol 2015). In summary, this varia nt meets our criteria to be classified as pathogenic for autosomal dominant DCM based upon segregation studie s and functional evidence.

OMIM
Classification: Pathogenic for CARDIOMYOPATHY, DILATED, 1P. Last evaluated: 2011-02-15. Review status: no assertion criteria provided. Collection method: literature only. Allele origin: germline. Not counted in ClinVar's aggregate classification.

Clinical Genetics DNA and cytogenetics Diagnostics Lab, Erasmus MC, Erasmus Medical Center
Classification: Pathogenic. Review status: no assertion criteria provided. Collection method: clinical testing. Allele origin: germline. Affected: yes. Study: VKGL Data-share Consensus. Not counted in ClinVar's aggregate classification.

Joint Genome Diagnostic Labs from Nijmegen and Maastricht, Radboudumc and MUMC+
Classification: Pathogenic. Review status: no assertion criteria provided. Collection method: clinical testing. Allele origin: germline. Affected: yes. Study: VKGL Data-share Consensus. Not counted in ClinVar's aggregate classification.

Literature cited by the submitters: PubMed 12610310 (cited by 3 submitters); PubMed 25928149 (cited by Labcorp Genetics (formerly Invitae), Labcorp and Laboratory for Molecular Medicine, Mass General Brigham Personalized Medicine); PubMed 26917049 (cited by Labcorp Genetics (formerly Invitae), Labcorp); PubMed 21282613 (cited by 3 submitters); PubMed 22427649 (cited by Labcorp Genetics (formerly Invitae), Labcorp and Laboratory for Molecular Medicine, Mass General Brigham Personalized Medicine); PubMed 22707725 (cited by Labcorp Genetics (formerly Invitae), Labcorp and Laboratory for Molecular Medicine, Mass General Brigham Personalized Medicine); PubMed 25593317 (cited by Labcorp Genetics (formerly Invitae), Labcorp and Laboratory for Molecular Medicine, Mass General Brigham Personalized Medicine); PubMed 18056057 (cited by Laboratory for Molecular Medicine, Mass General Brigham Personalized Medicine); PubMed 19139388 (cited by Laboratory for Molecular Medicine, Mass General Brigham Personalized Medicine); PubMed 23308118 (cited by Laboratory for Molecular Medicine, Mass General Brigham Personalized Medicine).